The following is an entry in ClinVar:

ClinVar aggregate classification (germline): Uncertain significance (1 of 4 stars; one submission).

Conditions:
Epileptic encephalopathy. Identifiers: MedGen C0543888, HP:0200134.

Allele frequency attached by ClinVar (database versions not stated): TOPMed 0.00003; gnomAD 0.00006.
gnomAD v4.1: 33 of 1,608,222 alleles (0.0021%); highest among the groups gnomAD compares: African/African-American, 0.0094%; no homozygotes.

Submission:

Labcorp Genetics (formerly Invitae), Labcorp
Classification: Uncertain significance for Epileptic encephalopathy. Last evaluated: 2018-10-04. Review status: criteria provided, single submitter. Criteria: Invitae Variant Classification Sherloc (09022015). Collection method: clinical testing. Allele origin: germline.
Comment: This sequence change replaces arginine with cysteine at codon 427 of the RYR3 protein (p.Arg427Cys). The arginine residue is moderately conserved and there is a large physicochemical difference between arginine and cysteine. This variant is present in population databases (rs776720726, ExAC 0.01%). This variant has not been reported in the literature in individuals with RYR3-related disease. Algorithms developed to predict the effect of missense changes on protein structure and function are either unavailable or do not agree on the potential impact of this missense change (SIFT: "Deleterious"; PolyPhen-2: "Benign"; Align-GVGD: "Class C0"). In summary, the available evidence is currently insufficient to determine the role of this variant in disease. Therefore, it has been classified as a Variant of Uncertain Significance.

NM_001036.6(RYR3):c.1279C>T (p.Arg427Cys)

Gene: RYR3 (ryanodine receptor 3; plus strand). Cytogenetic location: 15q14.
Variant type: single nucleotide variant.
Coding change: c.1279C>T on transcript NM_001036.6 (MANE Select); coding-DNA position 1279, C replaced by T.
Protein change: p.Arg427Cys; replaces arginine 427 with cysteine.
Molecular consequence: missense variant.
Genome position (GRCh38, 1-based): chr15:33,579,986, C>T. VCF-style: chr15-33579986-C-T. GRCh37 (hg19) VCF-style: chr15-33872187-C-T.
Other names: c.1279C>T, p.Arg427Cys (NM_001243996.4); short protein forms R427C.
Identifiers: ClinVar variation 649729 (VCV000649729.8), dbSNP rs776720726, ClinGen allele CA7458089.
Genomic context (GRCh38, chr15:33,579,986, plus strand): 5'-GGCCCTGCTGCTGGCCAGTGCCTAAACCATGTCAATCTCATGGTTTTTAGCGGAAACAAT[C>T]GCACAGCTGCCCCCATCACCCTGCCTATAGAAGAAGTCCTGCAGACCCTACAGGACTTGA-3'
Protein context (NP_001027.3, residues 417-437): LFSQFVSGNN[Arg427Cys]TAAPITLPIE